The following is an entry in ClinVar:

ClinVar aggregate classification (germline): Likely benign. Review status: criteria provided, multiple submitters, no conflicts (2 of 4 stars). 3 submissions from 3 submitters: Likely benign (3). Last evaluated 2025-09-11.

Conditions:
KIF5A-related disorder. Also called: KIF5A-related disorders; KIF5A-related condition.
Spastic paraplegia. Identifiers: MedGen C0037772, HP:0001258.
Hereditary spastic paraplegia. Also called: Familial spastic paraparesis. Identifiers: Orphanet 685, MedGen C0037773, MONDO:0019064. Disease mechanism: loss of function.

Allele frequency attached by ClinVar (database versions not stated): gnomAD exomes 0.00005; ExAC 0.00007; TOPMed 0.00010; gnomAD 0.00011; 1000 Genomes Project 30x 0.00016; 1000 Genomes Project 0.00020; ESP Exome Variant Server 0.00023.
gnomAD v4.1: 140 of 1,613,864 alleles (0.0087%); highest among the groups gnomAD compares: East Asian, 0.062%; no homozygotes.

Submissions (3):

Labcorp Genetics (formerly Invitae), Labcorp
Classification: Likely benign for Spastic paraplegia. Last evaluated: 2025-09-11. Review status: criteria provided, single submitter. Criteria: Invitae Variant Classification Sherloc (09022015). Collection method: clinical testing. Allele origin: germline.

PreventionGenetics, part of Exact Sciences
Classification: Likely benign for KIF5A-related condition. Last evaluated: 2024-12-15. Review status: criteria provided, single submitter. Criteria: ACMG Guidelines, 2015. Collection method: clinical testing. Allele origin: germline.
Comment: This variant is classified as likely benign based on ACMG/AMP sequence variant interpretation guidelines (Richards et al. 2015 PMID: 25741868, with internal and published modifications).

Genome Diagnostics Laboratory, The Hospital for Sick Children
Classification: Likely benign for Hereditary spastic paraplegia. Last evaluated: 2020-07-01. Review status: criteria provided, single submitter. Criteria: ACMG Guidelines, 2015. Collection method: clinical testing. Allele origin: germline. Affected: yes.

NM_004984.4(KIF5A):c.3033G>A (p.Pro1011=)

Gene: KIF5A (kinesin family member 5A; plus strand). Cytogenetic location: 12q13.3.
Variant type: single nucleotide variant.
Coding change: c.3033G>A on transcript NM_004984.4 (MANE Select); coding-DNA position 3033, G replaced by A.
Protein change: p.Pro1011=; no amino-acid change (proline 1011 retained).
Molecular consequence: synonymous variant.
Genome position (GRCh38, 1-based): chr12:57,583,113, G>A. VCF-style: chr12-57583113-G-A. GRCh37 (hg19) VCF-style: chr12-57976896-G-A.
Other names: c.2766G>A, p.Pro922= (NM_001354705.2).
Identifiers: ClinVar variation 698315 (VCV000698315.12), dbSNP rs148434838, ClinGen allele CA6653308.